The following is an entry in ClinVar:

NM_000156.6(GAMT):c.584C>T (p.Pro195Leu)

Gene: GAMT (guanidinoacetate N-methyltransferase; minus strand). Cytogenetic location: 19p13.3.
Variant type: single nucleotide variant.
Coding change: c.584C>T on transcript NM_000156.6 (MANE Select); coding-DNA position 584, C replaced by T.
Protein change: p.Pro195Leu; replaces proline 195 with leucine.
Molecular consequence: missense variant.
Genome position (GRCh38, 1-based): chr19:1,397,486, G>A on the plus strand (C>T on the coding strand, the complement: GAMT is on the minus strand). VCF-style: chr19-1397486-G-A. GRCh37 (hg19) VCF-style: chr19-1397485-G-A.
Other names: short protein forms P195L.
Identifiers: ClinVar variation 1517105 (VCV001517105.5), dbSNP rs1569003317, ClinGen allele CA402991006.
Genomic context (GRCh38, chr19:1,397,486, plus strand): 5'-ACCAGCGCCATCACCTCCGTACGGATGTTCTCCCTCCGGAAGCCGGCCTCCAGCAGCGCG[G>A]GCACCTGCGTCTCCTGGTCGGGGATGGCACCAGGTCACCTCTGAGGGCCATGGGGGTCAC-3'
Protein context (NP_000147.1, residues 185-205): ITIMFEETQV[Pro195Leu]ALLEAGFRRE

ClinVar aggregate classification (germline): Uncertain significance (1 of 4 stars; one submission).

Conditions:
Cerebral creatine deficiency syndrome. Also called: Creatine deficiency syndromes. Identifiers: Orphanet 79172, MedGen C5244016, MONDO:0000456.

Allele frequency attached by ClinVar (database versions not stated): gnomAD exomes 0.00001.
gnomAD v4.1: 3 of 1,605,248 alleles (0.00019%); highest among the groups gnomAD compares: East Asian, 0.0022%; no homozygotes.

Submission:

Labcorp Genetics (formerly Invitae), Labcorp
Classification: Uncertain significance for Cerebral creatine deficiency syndrome. Last evaluated: 2021-08-31. Review status: criteria provided, single submitter. Criteria: Invitae Variant Classification Sherloc (09022015). Collection method: clinical testing. Allele origin: germline.
Comment: This sequence change replaces proline with leucine at codon 195 of the GAMT protein (p.Pro195Leu). The proline residue is moderately conserved and there is a moderate physicochemical difference between proline and leucine. This variant is not present in population databases (ExAC no frequency). This variant has not been reported in the literature in individuals affected with GAMT-related conditions. Algorithms developed to predict the effect of missense changes on protein structure and function are either unavailable or do not agree on the potential impact of this missense change (SIFT: "Deleterious"; PolyPhen-2: "Possibly Damaging"; Align-GVGD: "Class C0"). In summary, the available evidence is currently insufficient to determine the role of this variant in disease. Therefore, it has been classified as a Variant of Uncertain Significance.